The following is an entry in ClinVar:

NM_006182.4(DDR2):c.2048+1G>A

Gene: DDR2 (discoidin domain receptor tyrosine kinase 2; plus strand). Cytogenetic location: 1q23.3.
Variant type: single nucleotide variant.
Coding change: c.2048+1G>A on transcript NM_006182.4 (MANE Select); the canonical splice donor site of the intron after coding-DNA position 2048, G replaced by A.
Molecular consequence: splice donor variant.
Genome position (GRCh38, 1-based): chr1:162,775,844, G>A. VCF-style: chr1-162775844-G-A. GRCh37 (hg19) VCF-style: chr1-162745634-G-A.
Other names: c.2048+1G>A (NM_001354983.2, NM_001354982.2, NM_001014796.3).
Identifiers: ClinVar variation 4702383 (VCV004702383.1).

ClinVar aggregate classification (germline): Likely pathogenic (1 of 4 stars; one submission).

Submission:

Labcorp Genetics (formerly Invitae), Labcorp
Classification: Likely pathogenic. Last evaluated: 2026-01-20. Review status: criteria provided, single submitter. Criteria: Invitae Variant Classification Sherloc (09022015). Collection method: clinical testing. Allele origin: germline.
Comment: This sequence change affects a donor splice site in intron 15 of the DDR2 gene. It is expected to disrupt RNA splicing. Variants that disrupt the donor or acceptor splice site typically lead to a loss of protein function (PMID: 16199547), and loss-of-function variants in DDR2 are known to be pathogenic (PMID: 11375938, 29884795). This variant is not present in population databases (gnomAD no frequency). This variant has not been reported in the literature in individuals affected with DDR2-related conditions. Algorithms developed to predict the effect of sequence changes on RNA splicing suggest that this variant may disrupt the consensus splice site. In summary, the currently available evidence indicates that the variant is pathogenic, but additional data are needed to prove that conclusively. Therefore, this variant has been classified as Likely Pathogenic.

Literature cited by the submitters: PubMed 16199547; PubMed 11375938; PubMed 29884795.